The following is an entry in ClinVar:

ClinVar aggregate classification (germline): Benign/Likely benign. Review status: criteria provided, multiple submitters, no conflicts (2 of 4 stars). 8 submissions from 8 submitters: Benign (5); Likely benign (2). 1 of the submissions does not count toward it. Last evaluated 2025-04-25.

Conditions:
Polycystic kidney disease, adult type (PKD1). Also called: Polycystic Kidney, Autosomal Dominant; Polycystic Kidney Disease 1, Autosomal Dominant; Polycystic kidney disease 1; Polycystic kidney disease 1, severe; POLYCYSTIC KIDNEY DISEASE 1 WITH OR WITHOUT POLYCYSTIC LIVER DISEASE; POLYCYSTIC KIDNEY DISEASE, ADULT, TYPE I. Identifiers: MedGen C3149841, MONDO:0008263, OMIM 173900.
Polycystic kidney disease. Also called: Polycystic kidney dysplasia; Kidney, Polycystic. Identifiers: MedGen C0022680, MeSH D007690, MONDO:0020642, HP:0000113.

Allele frequency attached by ClinVar (database versions not stated): 1000 Genomes Project 0.00319; gnomAD 0.00338 and 0.00366; 1000 Genomes Project 30x 0.00375; TOPMed 0.00400; ESP Exome Variant Server 0.00431; gnomAD exomes 0.00054 and 0.00104; ExAC 0.00119.
gnomAD v4.1: 1,335 of 1,611,438 alleles (0.083%); highest among the groups gnomAD compares: African/African-American, 1.2%; 12 homozygotes.

Submissions (8):

Women's Health and Genetics/Laboratory Corporation of America, LabCorp
Classification: Likely benign. Last evaluated: 2025-04-25. Review status: criteria provided, single submitter. Criteria: LabCorp Variant Classification Summary - May 2015. Collection method: clinical testing. Allele origin: germline.

Blueprint Genetics
Classification: Likely benign. Last evaluated: 2024-11-08. Review status: criteria provided, single submitter. Criteria: ACMG Guidelines, 2015. Collection method: clinical testing. Allele origin: germline.

Mayo Clinic Laboratories, Mayo Clinic
Classification: Benign. Last evaluated: 2023-10-11. Review status: criteria provided, single submitter. Criteria: ACMG Guidelines, 2015. Collection method: clinical testing. Allele origin: germline. Observed: 3 variant alleles.
Comment: BS1, BS2, BP4, BP7

GeneDx
Classification: Benign. Last evaluated: 2021-05-11. Review status: criteria provided, single submitter. Criteria: GeneDx Variant Classification Process June 2021. Collection method: clinical testing. Allele origin: germline. Affected: yes.
Comment: This variant is associated with the following publications: (PMID: 22383692)

Athena Diagnostics
Classification: Benign. Last evaluated: 2019-05-10. Review status: criteria provided, single submitter. Criteria: Athena Diagnostics Criteria. Collection method: clinical testing. Allele origin: germline.

ARUP Laboratories, Molecular Genetics and Genomics, ARUP Laboratories
Classification: Benign for Polycystic kidney disease, adult type. Last evaluated: 2018-10-01. Review status: criteria provided, single submitter. Criteria: ARUP Molecular Germline Variant Investigation Process. Collection method: clinical testing. Allele origin: germline.

PreventionGenetics, part of Exact Sciences
Classification: Benign. Review status: criteria provided, single submitter. Criteria: ACMG Guidelines, 2015. Collection method: clinical testing. Allele origin: germline.

Department of Pathology and Laboratory Medicine, Sinai Health System
Classification: Benign for Polycystic Kidney disease. Review status: no assertion criteria provided. Collection method: clinical testing. Allele origin: unknown. Affected: yes. Study: The Canadian Open Genetics Repository (COGR). Not counted in ClinVar's aggregate classification.
Comment: The PKD1 p.Ala1421= variant was identified in 3 of 550 proband chromosomes (frequency: 0.005) from individuals or families with ADPKD (Rossetti 2002, Rossetti 2012). The variant was also identified in dbSNP (ID: rs149938033) as â€šÃ„ÃºWith Benign alleleâ€šÃ„Ã¹, Clinvitae (classification benign), ClinVar (classification benign by Prevention Genetics), ADPKD Mutation Database (classification likely neutral), the 1000 Genomes Project in 16 of 5000 chromosomes (frequency: 0.003), HAPMAP-AFR in 16 of 1322 chromosomes (frequency: 0.01), NHLBI GO Exome Sequencing Project in 4 of 8592 European American American alleles (frequency: 0.0005) and in 52 of 4394 African American alleles (frequency: 0.01), and in the Exome Aggregation Consortium database (August 8, 2016) in 141 (2 homozygous) of 118562 chromosomes (frequency: 0.001), increasing the likelihood this could be a low frequency benign variant. In addition we cannot be certain that data from control databases is specific to PKD1 and not from one of the six PKD1 pseudogenes. The variant was not identified in GeneInsight COGR, MutDB, PKD1-LOVD, and PKD1-LOVD 3.0. The c.4263C>T variant is not expected to have clinical significance because it does not result in a change of amino acid and is not located in a known consensus splice site, occurring outside of the splicing consensus sequence. In addition one of five in silico or computational prediction software programs (SpliceSiteFinder, MaxEntScan, NNSPLICE, GeneSplicer, HumanSpliceFinder) predicting a greater than 10% difference in splicing; this is not very predictive of pathogenicity. The variant was identified with a co-occurring pathogenic PKD2 variant (c.709+1G>A, r.spl?), increasing the likelihood that the c.4263C>T variant does not have clinical significance. In summary, based on the above information, this variant meets our laboratory criteria to be classified as benign.

Literature cited by the submitters: PubMed 22383692 (cited by Athena Diagnostics).

NM_001009944.3(PKD1):c.4263C>T (p.Ala1421=)

Gene: PKD1 (polycystin 1, transient receptor potential channel interacting; minus strand). Cytogenetic location: 16p13.3.
Variant type: single nucleotide variant.
Coding change: c.4263C>T on transcript NM_001009944.3 (MANE Select); coding-DNA position 4263, C replaced by T.
Protein change: p.Ala1421=; no amino-acid change (alanine 1421 retained).
Molecular consequence: synonymous variant.
Genome position (GRCh38, 1-based): chr16:2,110,904, G>A on the plus strand (C>T on the coding strand, the complement: PKD1 is on the minus strand). VCF-style: chr16-2110904-G-A. GRCh37 (hg19) VCF-style: chr16-2160905-G-A.
Other names: p.Ala1421=; c.4263C>T, p.Ala1421= (NM_000296.4).
Identifiers: ClinVar variation 256963 (VCV000256963.18), dbSNP rs149938033, ClinGen allele CA7832438.